The following is an entry in ClinVar:

NM_000070.3(CAPN3):c.628G>A (p.Ala210Thr)

Gene: CAPN3 (calpain 3; plus strand). Cytogenetic location: 15q15.1.
Variant type: single nucleotide variant.
Coding change: c.628G>A on transcript NM_000070.3 (MANE Select); coding-DNA position 628, G replaced by A.
Protein change: p.Ala210Thr; replaces alanine 210 with threonine.
Molecular consequence: missense variant.
Genome position (GRCh38, 1-based): chr15:42,387,882, G>A. VCF-style: chr15-42387882-G-A. GRCh37 (hg19) VCF-style: chr15-42680080-G-A.
Other names: c.628G>A, p.Ala210Thr (NM_173087.2, NM_024344.2); short protein forms A210T.
Identifiers: ClinVar variation 1488472 (VCV001488472.6), dbSNP rs2141165044, ClinGen allele CA391998020.

ClinVar aggregate classification (germline): Uncertain significance (1 of 4 stars; one submission).

Conditions:
Autosomal recessive limb-girdle muscular dystrophy type 2A (LGMDR1). Also called: Limb-girdle muscular dystrophy, type 2A; LEYDEN-MOEBIUS MUSCULAR DYSTROPHY; MUSCULAR DYSTROPHY, PELVOFEMORAL; Muscular dystrophy, limb-girdle, type 2A, Amish; Calpainopathy. Identifiers: Orphanet 267, MedGen C1869123, MONDO:0009675, OMIM 253600. Disease mechanism: loss of function.

Submission:

Labcorp Genetics (formerly Invitae), Labcorp
Classification: Uncertain significance for Autosomal recessive limb-girdle muscular dystrophy type 2A. Last evaluated: 2022-03-22. Review status: criteria provided, single submitter. Criteria: Invitae Variant Classification Sherloc (09022015). Collection method: clinical testing. Allele origin: germline.
Comment: In summary, the available evidence is currently insufficient to determine the role of this variant in disease. Therefore, it has been classified as a Variant of Uncertain Significance. Algorithms developed to predict the effect of missense changes on protein structure and function are either unavailable or do not agree on the potential impact of this missense change (SIFT: "Deleterious"; PolyPhen-2: "Probably Damaging"; Align-GVGD: "Class C0"). This variant has not been reported in the literature in individuals affected with CAPN3-related conditions. This variant is not present in population databases (gnomAD no frequency). This sequence change replaces alanine, which is neutral and non-polar, with threonine, which is neutral and polar, at codon 210 of the CAPN3 protein (p.Ala210Thr).